The following is an entry in ClinVar:

ClinVar aggregate classification (germline): Pathogenic (1 of 4 stars; one submission).

Conditions:
Tuberous sclerosis 1 (TSC1). Identifiers: Orphanet 805, MedGen C1854465, MONDO:0008612, OMIM 191100.

Submission:

Labcorp Genetics (formerly Invitae), Labcorp
Classification: Pathogenic for Tuberous sclerosis 1. Last evaluated: 2023-10-03. Review status: criteria provided, single submitter. Criteria: Invitae Variant Classification Sherloc (09022015). Collection method: clinical testing. Allele origin: germline.
Comment: This sequence change creates a premature translational stop signal (p.Pro533Leufs*23) in the TSC1 gene. It is expected to result in an absent or disrupted protein product. Loss-of-function variants in TSC1 are known to be pathogenic (PMID: 10227394, 17304050). This variant is not present in population databases (gnomAD no frequency). This variant has not been reported in the literature in individuals affected with TSC1-related conditions. For these reasons, this variant has been classified as Pathogenic.

Literature cited by the submitters: PubMed 10227394; PubMed 17304050.

NM_000368.5(TSC1):c.1598del (p.Pro533fs)

Gene: TSC1 (TSC complex subunit 1; minus strand). Cytogenetic location: 9q34.13.
Variant type: Deletion.
Coding change: c.1598del on transcript NM_000368.5 (MANE Select); coding-DNA position 1598, one base deleted (C; older notation c.1598delC).
Protein change: p.Pro533fs; shifts the reading frame from proline 533.
Molecular consequence: frameshift variant. On other transcripts: non-coding transcript variant (5).
Genome position (GRCh38, 1-based): chr9:132,905,980, G deleted on the plus strand (C on the coding strand, the reverse complement: TSC1 is on the minus strand); the first of 3 consecutive G bases (chr9:132,905,980-132,905,982); deleting any one gives the same sequence. VCF-style (leftmost placement, unchanged base first): chr9-132905979-AG-A. GRCh37 (hg19) VCF-style: chr9-135781366-AG-A.
Other names: c.1595del, p.Pro532fs (NM_001162426.2, NM_001406597.1, NM_001406598.1 and 6 more transcripts); c.1445del, p.Pro482fs (NM_001162427.2, NM_001406610.1); c.1235del, p.Pro412fs (NM_001362177.2, NM_001406618.1, NM_001406619.1 and 5 more transcripts); c.1598del, p.Pro533fs (NM_001406592.1, NM_001406593.1, NM_001406594.1 and 7 more transcripts); c.1232del, p.Pro411fs (NM_001406620.1, NM_001406621.1, NM_001406622.1 and 2 more transcripts); c.647del, p.Pro216fs (NM_001406626.1); c.644del, p.Pro215fs (NM_001406627.1, NM_001406628.1); c.545del, p.Pro182fs (NM_001406629.1, NM_001406630.1); and 1 more; short protein forms P482fs, P411fs, P481fs, P182fs, P215fs, P216fs, P412fs, P532fs.
Identifiers: ClinVar variation 2764813 (VCV002764813.3), dbSNP rs2538735165, ClinGen allele CA2697558114.